The following is an entry in ClinVar:

ClinVar aggregate classification (germline): Likely benign. Review status: criteria provided, single submitter (1 of 4 stars). 2 submissions from 2 submitters: Likely benign (1). 1 of the submissions does not count toward it. Last evaluated 2023-05-19.

Conditions:
WDFY3-related disorder.

Allele frequency attached by ClinVar (database versions not stated): gnomAD exomes 0.00019; gnomAD 0.00025; TOPMed 0.00032; ExAC 0.00059; 1000 Genomes Project 30x 0.00078; 1000 Genomes Project 0.00080.
gnomAD v4.1: 319 of 1,613,428 alleles (0.02%); highest among the groups gnomAD compares: East Asian, 0.67%; 1 homozygote.

Submissions (2):

Blueprint Genetics
Classification: Likely benign. Last evaluated: 2023-05-19. Review status: criteria provided, single submitter. Criteria: ACMG Guidelines, 2015. Collection method: clinical testing. Allele origin: germline.

PreventionGenetics, part of Exact Sciences
Classification: Benign for WDFY3-related condition. Last evaluated: 2019-10-28. Review status: no assertion criteria provided. Collection method: clinical testing. Allele origin: germline. Not counted in ClinVar's aggregate classification.
Comment: This variant is classified as benign based on ACMG/AMP sequence variant interpretation guidelines (Richards et al. 2015 PMID: 25741868, with internal and published modifications).

NM_014991.6(WDFY3):c.8385T>A (p.Ile2795=)

Gene: WDFY3 (WD repeat and FYVE domain containing 3; minus strand). Cytogenetic location: 4q21.23.
Variant type: single nucleotide variant.
Coding change: c.8385T>A on transcript NM_014991.6 (MANE Select); coding-DNA position 8385, T replaced by A.
Protein change: p.Ile2795=; no amino-acid change (isoleucine 2795 retained).
Molecular consequence: synonymous variant.
Genome position (GRCh38, 1-based): chr4:84,704,395, A>T on the plus strand (T>A on the coding strand, the complement: WDFY3 is on the minus strand). VCF-style: chr4-84704395-A-T. GRCh37 (hg19) VCF-style: chr4-85625548-A-T.
Identifiers: ClinVar variation 3046138 (VCV003046138.3), dbSNP rs199518075, ClinGen allele CA2992397.